The following is an entry in ClinVar:

NM_005535.3(IL12RB1):c.161G>A (p.Arg54Gln)

Gene: IL12RB1 (interleukin 12 receptor subunit beta 1; minus strand). Cytogenetic location: 19p13.11.
Variant type: single nucleotide variant.
Coding change: c.161G>A on transcript NM_005535.3 (MANE Select); coding-DNA position 161, G replaced by A.
Protein change: p.Arg54Gln; replaces arginine 54 with glutamine.
Molecular consequence: missense variant.
Genome position (GRCh38, 1-based): chr19:18,082,228, C>T on the plus strand (G>A on the coding strand, the complement: IL12RB1 is on the minus strand). VCF-style: chr19-18082228-C-T. GRCh37 (hg19) VCF-style: chr19-18193038-C-T.
Other names: c.161G>A, p.Arg54Gln (NM_001290023.2, NM_153701.3); c.281G>A, p.Arg94Gln (NM_001290024.2); short protein forms R94Q, R54Q.
Identifiers: ClinVar variation 889429 (VCV000889429.11), dbSNP rs377441024, ClinGen allele CA9305314.

ClinVar aggregate classification (germline): Uncertain significance. Review status: criteria provided, multiple submitters, no conflicts (2 of 4 stars). 2 submissions from 2 submitters: Uncertain significance (2). Last evaluated 2024-02-17.

Conditions:
Mendelian susceptibility to mycobacterial diseases due to complete IL12RB1 deficiency. Also called: IL12RB1 DEFICIENCY; Immunodeficiency 30. Identifiers: Orphanet 319552, MedGen C4013949, MONDO:0013955, OMIM 614891.

Allele frequency attached by ClinVar (database versions not stated): gnomAD exomes below 0.00001; ExAC 0.00001; 1000 Genomes Project 30x 0.00016; 1000 Genomes Project 0.00020; gnomAD 0.00002 and 0.00003; TOPMed 0.00002.
gnomAD v4.1: 10 of 1,613,618 alleles (0.00062%); highest among the groups gnomAD compares: African/African-American, 0.004%; no homozygotes.

Submissions (2):

Labcorp Genetics (formerly Invitae), Labcorp
Classification: Uncertain significance for Mendelian susceptibility to mycobacterial diseases due to complete IL12RB1 deficiency. Last evaluated: 2024-02-17. Review status: criteria provided, single submitter. Criteria: Invitae Variant Classification Sherloc (09022015). Collection method: clinical testing. Allele origin: germline.
Comment: This sequence change replaces arginine, which is basic and polar, with glutamine, which is neutral and polar, at codon 54 of the IL12RB1 protein (p.Arg54Gln). This variant is present in population databases (rs377441024, gnomAD 0.002%). This variant has not been reported in the literature in individuals affected with IL12RB1-related conditions. ClinVar contains an entry for this variant (Variation ID: 889429). Advanced modeling of protein sequence and biophysical properties (such as structural, functional, and spatial information, amino acid conservation, physicochemical variation, residue mobility, and thermodynamic stability) performed at Invitae indicates that this missense variant is expected to disrupt IL12RB1 protein function with a positive predictive value of 80%. Algorithms developed to predict the effect of sequence changes on RNA splicing suggest that this variant may disrupt the consensus splice site. In summary, the available evidence is currently insufficient to determine the role of this variant in disease. Therefore, it has been classified as a Variant of Uncertain Significance.

Illumina Laboratory Services, Illumina
Classification: Uncertain significance for Mendelian susceptibility to mycobacterial diseases due to complete IL12RB1 deficiency. Last evaluated: 2018-01-12. Review status: criteria provided, single submitter. Criteria: ICSL Variant Classification Criteria 13 December 2019. Collection method: clinical testing. Allele origin: germline.